The following is an entry in ClinVar:

NM_000447.3(PSEN2):c.781G>C (p.Val261Leu)

Gene: PSEN2 (presenilin 2; plus strand). Cytogenetic location: 1q42.13.
Variant type: single nucleotide variant.
Coding change: c.781G>C on transcript NM_000447.3 (MANE Select); coding-DNA position 781, G replaced by C.
Protein change: p.Val261Leu; replaces valine 261 with leucine.
Molecular consequence: missense variant.
Genome position (GRCh38, 1-based): chr1:226,889,043, G>C. VCF-style: chr1-226889043-G-C. GRCh37 (hg19) VCF-style: chr1-227076744-G-C.
Other names: c.781G>C, p.Val261Leu (NM_001437537.1, NM_012486.3); short protein forms V261L.
Identifiers: ClinVar variation 4848330 (VCV004848330.1).

ClinVar aggregate classification (germline): Likely benign (1 of 4 stars; one submission).

gnomAD v4.1: 117 of 1,613,336 alleles (0.0073%); highest among the groups gnomAD compares: South Asian, 0.12%; 4 homozygotes.

Submission:

Women's Health and Genetics/Laboratory Corporation of America, LabCorp
Classification: Likely benign. Last evaluated: 2026-02-16. Review status: criteria provided, single submitter. Criteria: LabCorp Variant Classification Summary - May 2015. Collection method: clinical testing. Allele origin: germline.
Comment: Variant summary: PSEN2 c.781G>C (p.Val261Leu) results in a conservative amino acid change in the encoded protein sequence. Algorithms developed to predict the effect of missense changes on protein structure and function are either unavailable or do not agree on the potential impact of this missense change. The variant allele was found at a frequency of 0.00019 in 248210 control chromosomes, predominantly at a frequency of 0.0015 within the South Asian subpopulation in the gnomAD database, including 2 homozygotes. The observed variant frequency within South Asian control individuals in the gnomAD database exceeds the estimated maximal expected allele frequency for disease-causing variants in PSEN2. To our knowledge, no occurrence of c.781G>C in individuals affected with PSEN2-related conditions and no experimental evidence demonstrating its impact on protein function have been reported. No submitters have cited clinical-significance assessments for this variant to ClinVar. Based on the evidence outlined above, the variant was classified as likely benign.